The following is an entry in ClinVar:

NM_001384140.1(PCDH15):c.3475dup (p.Met1159fs)

Gene: PCDH15 (protocadherin related 15; minus strand). Cytogenetic location: 10q21.1.
Variant type: Duplication.
Coding change: c.3475dup on transcript NM_001384140.1 (MANE Select); coding-DNA position 3475, one base duplicated (A; older notation c.3475dupA).
Protein change: p.Met1159fs; shifts the reading frame from methionine 1159.
Molecular consequence: frameshift variant.
Genome position (GRCh38, 1-based): chr10:53,903,269, T duplicated on the plus strand (A on the coding strand, the reverse complement: PCDH15 is on the minus strand); the first of 2 consecutive T bases (chr10:53,903,269-53,903,270); duplicating either gives the same sequence. VCF-style (leftmost placement, unchanged base first): chr10-53903268-A-AT. GRCh37 (hg19) VCF-style: chr10-55663028-A-AT.
Other names: NM_001384140.1(PCDH15):c.3475dup; p.Met1159fs; c.3409dup, p.Met1137fs (NM_001142773.2, NM_001354404.2, NM_001142768.2); c.3496dup, p.Met1166fs (NM_001354411.2); c.3475dup, p.Met1159fs (NM_001354420.2, NM_001354429.2, NM_033056.4 and 4 more transcripts); c.3475dupA (NM_033056.3); c.3490dup, p.Met1164fs (NM_001142763.2, NM_001142771.2); c.3262dup, p.Met1088fs (NM_001142765.2); and 2 more; short protein forms M1088fs, M1166fs, M1137fs, M1159fs, M1164fs, M1122fs, M1171fs.
Identifiers: ClinVar variation 943097 (VCV000943097.10), dbSNP rs746865307, ClinGen allele CA5505658.

ClinVar aggregate classification (germline): Pathogenic/Likely pathogenic. Review status: criteria provided, multiple submitters, no conflicts (2 of 4 stars). 4 submissions from 4 submitters: Pathogenic (1); Likely pathogenic (3). Last evaluated 2025-05-12.

Conditions:
Autosomal recessive nonsyndromic hearing loss 23. Identifiers: Orphanet 90636, MedGen C1836027, MONDO:0012293, OMIM 609533.
Usher syndrome type 1F (USH1F). Also called: USHER SYNDROME, TYPE IF. Identifiers: Orphanet 231169, Orphanet 886, MedGen C1865885, MONDO:0011186, OMIM 602083.

Submissions (4):

Natera, Inc.
Classification: Likely pathogenic for Usher syndrome type 1F. Last evaluated: 2025-05-12. Review status: criteria provided, single submitter. Criteria: Natera Variant Classification Schema (03/2026). Collection method: clinical testing. Allele origin: germline.
Comment: The c.3475dupA variant in PCDH15 is a frameshift variant predicted to shift the reading frame beginning at codon 1159 and leads to a stop codon 12 codons downstream. This variant is expected to result in nonsense mediated decay, truncation, or a dysfunctional protein product. This variant is rare in the general population with a frequency below the threshold expected for the associated phenotype(s). Given the available evidence, this variant is classified as Likely Pathogenic.

Baylor Genetics
Classification: Likely pathogenic for Autosomal recessive nonsyndromic hearing loss 23. Last evaluated: 2024-02-18. Review status: criteria provided, single submitter. Criteria: ACMG Guidelines, 2015. Collection method: clinical testing. Allele origin: unknown.

Labcorp Genetics (formerly Invitae), Labcorp
Classification: Pathogenic. Last evaluated: 2023-10-15. Review status: criteria provided, single submitter. Criteria: Invitae Variant Classification Sherloc (09022015). Collection method: clinical testing. Allele origin: germline.
Comment: This sequence change creates a premature translational stop signal (p.Met1159Asnfs*12) in the PCDH15 gene. It is expected to result in an absent or disrupted protein product. Loss-of-function variants in PCDH15 are known to be pathogenic (PMID: 11398101, 11487575, 14570705). This variant is present in population databases (rs746865307, gnomAD 0.02%). This variant has not been reported in the literature in individuals affected with PCDH15-related conditions. ClinVar contains an entry for this variant (Variation ID: 943097). For these reasons, this variant has been classified as Pathogenic.

Broad Center for Mendelian Genomics, Broad Institute of MIT and Harvard
Classification: Likely pathogenic for Usher syndrome type 1F. Last evaluated: 2023-01-24. Review status: criteria provided, single submitter. Criteria: ACMG Guidelines, 2015. Collection method: curation. Allele origin: germline. Inheritance: Autosomal recessive inheritance.
Comment: The p.Met1159AsnfsTer12 variant in PCDH15 has not been previously reported in the literature in individuals with Usher syndrome type 1F but has been identified in 0.03% (5/19954) of East Asian chromosomes by the Genome Aggregation Database (gnomAD; dbSNP ID: rs746865307). Although this variant has been seen in the general population in a heterozygous state, its frequency is low enough to be consistent with a recessive carrier frequency. This variant has also been reported in ClinVar (Variation ID#: 943097) and has been interpreted as pathogenic by Invitae. This variant is predicted to cause a frameshift, which alters the protein‚Äôs amino acid sequence beginning at position 1159 and leads to a premature termination codon 12 amino acids downstream. This alteration is then predicted to lead to a truncated or absent protein. Loss of function of the PCDH15 gene is an established disease mechanism in autosomal recessive Usher syndrome type 1F. In summary, although additional studies are required to fully establish its clinical significance, this variant is likely pathogenic for autosomal recessive Usher syndrome type 1F. ACMG/AMP Criteria applied: PVS1, PM2 (Richards 2015).

Literature cited by the submitters: PubMed 11398101 (cited by Labcorp Genetics (formerly Invitae), Labcorp); PubMed 11487575 (cited by Labcorp Genetics (formerly Invitae), Labcorp); PubMed 14570705 (cited by Labcorp Genetics (formerly Invitae), Labcorp).